The following is an entry in ClinVar:

ClinVar aggregate classification (germline): Benign/Likely benign. Review status: criteria provided, multiple submitters, no conflicts (2 of 4 stars). 4 submissions from 4 submitters: Benign (2); Likely benign (2). Last evaluated 2026-01-06.

Allele frequency attached by ClinVar (database versions not stated): gnomAD exomes 0.00110 and 0.00244; ExAC 0.00296; 1000 Genomes Project 30x 0.00937; 1000 Genomes Project 0.00958; ESP Exome Variant Server 0.00969; gnomAD 0.00977 and 0.01041; TOPMed 0.01072.
gnomAD v4.1: 3,144 of 1,614,046 alleles (0.19%); highest among the groups gnomAD compares: African/African-American, 3.6%; 58 homozygotes.

Submissions (4):

Labcorp Genetics (formerly Invitae), Labcorp
Classification: Benign. Last evaluated: 2026-01-06. Review status: criteria provided, single submitter. Criteria: Invitae Variant Classification Sherloc (09022015). Collection method: clinical testing. Allele origin: germline.

Mayo Clinic Laboratories, Mayo Clinic
Classification: Benign. Last evaluated: 2023-04-04. Review status: criteria provided, single submitter. Criteria: ACMG Guidelines, 2015. Collection method: clinical testing. Allele origin: germline. Observed: 4 variant alleles.
Comment: BS1, BS2, BP4

GeneDx
Classification: Likely benign. Last evaluated: 2020-03-25. Review status: criteria provided, single submitter. Criteria: GeneDx Variant Classification Process June 2021. Collection method: clinical testing. Allele origin: germline. Affected: yes.

Breakthrough Genomics
Classification: Likely benign. Review status: criteria provided, single submitter. Criteria: ACMG Guidelines, 2015. Collection method: not provided. Allele origin: germline. Inheritance: Unknown mechanism. Affected: yes.

NM_005245.4(FAT1):c.10141A>G (p.Ser3381Gly)

Gene: FAT1 (FAT atypical cadherin 1; minus strand). Cytogenetic location: 4q35.2.
Variant type: single nucleotide variant.
Coding change: c.10141A>G on transcript NM_005245.4 (MANE Select); coding-DNA position 10141, A replaced by G.
Protein change: p.Ser3381Gly; replaces serine 3381 with glycine.
Molecular consequence: missense variant.
Genome position (GRCh38, 1-based): chr4:186,609,248, T>C on the plus strand (A>G on the coding strand, the complement: FAT1 is on the minus strand). VCF-style: chr4-186609248-T-C. GRCh37 (hg19) VCF-style: chr4-187530402-T-C.
Other names: p.Ser3381Gly; short protein forms S3381G.
Identifiers: ClinVar variation 778165 (VCV000778165.13), dbSNP rs73873657, ClinGen allele CA3165467.
Genomic context (GRCh38, chr4:186,609,248, plus strand): 5'-CTCGGTCGAGAAGTTTGGTCACTTTGACTTCTCCCCTGACGGGGTCAATTGTGAACGAGC[T>C]TCCTTGGTTGCCATCTATAATTGAGTAGTGGATGTGGCTGTTGGAAGGTCCATCGGCATC-3'
Protein context (NP_005236.2, residues 3371-3391): HYSIIDGNQG[Ser3381Gly]SFTIDPVRGE